The following is an entry in ClinVar:

NM_001382391.1(CSPP1):c.3165T>C (p.Asp1055=)

Genes: ARFGEF1 (ARF guanine nucleotide exchange factor 1; minus strand), CSPP1 (centrosome and spindle pole associated protein 1; plus strand). Cytogenetic location: 8q13.2.
Variant type: single nucleotide variant.
Coding change: c.3165T>C on transcript NM_001382391.1 (MANE Select); coding-DNA position 3165, T replaced by C.
Protein change: p.Asp1055=; no amino-acid change (aspartic acid 1055 retained).
Molecular consequence: synonymous variant. On other transcripts: intron variant (2).
Genome position (GRCh38, 1-based): chr8:67,179,871, T>C. VCF-style: chr8-67179871-T-C. GRCh37 (hg19) VCF-style: chr8-68092106-T-C.
Other names: c.2115T>C, p.Asp705= (NM_001291339.2); c.3084T>C, p.Asp1028= (NM_001363131.2); c.2970T>C, p.Asp990= (NM_001363132.2); c.2889T>C, p.Asp963= (NM_001363133.2); c.3231T>C, p.Asp1077= (NM_001364869.1); c.3051T>C, p.Asp1017= (NM_001364870.1); c.2997T>C, p.Asp999= (NM_001438330.1); c.3150T>C, p.Asp1050= (NM_001438331.1, NM_024790.7); and 3 more.
Identifiers: ClinVar variation 434844 (VCV000434844.54), dbSNP rs10112748, ClinGen allele CA4771087.

ClinVar aggregate classification (germline): Benign/Likely benign. Review status: criteria provided, multiple submitters, no conflicts (2 of 4 stars). 7 submissions from 7 submitters: Benign (1); Likely benign (4). 2 of the submissions do not count toward it. Last evaluated 2026-09-01.

Conditions:
Joubert syndrome 21 (JBTS21). Identifiers: MedGen C3810212, MONDO:0014288, OMIM 615636.

Allele frequency attached by ClinVar (database versions not stated): 1000 Genomes Project 0.00020; ExAC 0.00214; TOPMed 0.00223; gnomAD exomes 0.00187 and 0.00374; gnomAD 0.00219 and 0.00231; 1000 Genomes Project 30x 0.00016; ESP Exome Variant Server 0.00272.
gnomAD v4.1: 5,634 of 1,594,980 alleles (0.35%); highest among the groups gnomAD compares: Non-Finnish European, 0.46%; 8 homozygotes.

Submissions (7):

CeGaT Center for Human Genetics Tuebingen
Classification: Likely benign. Last evaluated: 2026-09-01. Review status: criteria provided, single submitter. Criteria: CeGaT Center For Human Genetics Tuebingen Variant Classification Criteria Version 2. Collection method: clinical testing. Allele origin: germline. Affected: yes. Observed: 14 variant alleles.
Comment: CSPP1: BP4, BP7

Labcorp Genetics (formerly Invitae), Labcorp
Classification: Benign for Joubert syndrome 21. Last evaluated: 2026-01-17. Review status: criteria provided, single submitter. Criteria: Invitae Variant Classification Sherloc (09022015). Collection method: clinical testing. Allele origin: germline.

Blueprint Genetics
Classification: Likely benign. Last evaluated: 2024-11-21. Review status: criteria provided, single submitter. Criteria: ACMG Guidelines, 2015. Collection method: clinical testing. Allele origin: germline.

GeneDx
Classification: Likely benign. Last evaluated: 2021-02-16. Review status: criteria provided, single submitter. Criteria: GeneDx Variant Classification Process June 2021. Collection method: clinical testing. Allele origin: germline. Affected: yes.

Genetic Services Laboratory, University of Chicago
Classification: Likely benign. Last evaluated: 2016-03-04. Review status: criteria provided, single submitter. Criteria: ACMG Guidelines, 2015. Collection method: clinical testing. Allele origin: germline. Affected: no.

Clinical Genetics DNA and cytogenetics Diagnostics Lab, Erasmus MC, Erasmus Medical Center
Classification: Likely benign. Review status: no assertion criteria provided. Collection method: clinical testing. Allele origin: germline. Affected: yes. Study: VKGL Data-share Consensus. Not counted in ClinVar's aggregate classification.

Genome Diagnostics Laboratory, University Medical Center Utrecht
Classification: Likely benign. Review status: no assertion criteria provided. Collection method: clinical testing. Allele origin: germline. Affected: yes. Study: VKGL Data-share Consensus. Not counted in ClinVar's aggregate classification.